The following is an entry in ClinVar:

NM_152683.4(PRIMPOL):c.1450_1458del (p.Ala484_Glu486del)

Genes: CENPU (centromere protein U; minus strand), PRIMPOL (primase and DNA directed polymerase; plus strand). Cytogenetic location: 4q35.1.
Variant type: Deletion.
Coding change: c.1450_1458del on transcript NM_152683.4 (MANE Select); coding-DNA positions 1450 to 1458, 9 bases deleted (GCAGATGAA; older notation c.1450_1458delGCAGATGAA).
Protein change: p.Ala484_Glu486del.
Molecular consequence: inframe deletion. On other transcripts: non-coding transcript variant (4), 3 prime UTR variant (1).
Genome position (GRCh38, 1-based): chr4:184,694,546-184,694,554, GCAGATGAA deleted; deleting any 9 consecutive bases within chr4:184,694,538-184,694,554 gives the same sequence; the c. name uses the placement nearest the transcript's 3' end. VCF-style (leftmost placement, unchanged base first): chr4-184694537-ACAGATGAAG-A. GRCh37 (hg19) VCF-style: chr4-185615691-ACAGATGAAG-A.
Other names: c.1063_1071del, p.Ala355_Glu357del (NM_001300767.2); c.1447_1455del, p.Ala483_Glu485del (NM_001300768.2, NM_001345896.2); c.1489_1497del, p.Ala497_Glu499del (NM_001345891.2); c.1486_1494del, p.Ala496_Glu498del (NM_001345892.2, NM_001345893.2); c.793_801del, p.Ala265_Glu267del (NM_001345894.2); c.1450_1458del, p.Ala484_Glu486del (NM_001345895.2); c.754_762del, p.Ala252_Glu254del (NM_001345897.2, NM_001345901.2); c.751_759del, p.Ala251_Glu253del (NM_001345898.2); and 3 more.
Identifiers: ClinVar variation 3056030 (VCV003056030.2), dbSNP rs145762735, ClinGen allele CA3154643.

ClinVar aggregate classification (germline): Benign (0 of 4 stars; one submission).

Conditions:
PRIMPOL-related disorder. Also called: PRIMPOL-related condition.

Submission:

PreventionGenetics, part of Exact Sciences
Classification: Benign for PRIMPOL-related condition. Last evaluated: 2019-04-26. Review status: no assertion criteria provided. Collection method: clinical testing. Allele origin: germline.
Comment: This variant is classified as benign based on ACMG/AMP sequence variant interpretation guidelines (Richards et al. 2015 PMID: 25741868, with internal and published modifications).